The following is an entry in ClinVar:

ClinVar aggregate classification (germline): Benign. Review status: criteria provided, multiple submitters, no conflicts (2 of 4 stars). 12 submissions from 12 submitters: Benign (11). 1 of the submissions does not count toward it. Last evaluated 2026-02-04.

Conditions:
Retinal dystrophy. Also called: Inherited retinal dystrophy. Identifiers: Orphanet 71862, MedGen C0854723, MeSH D058499, MONDO:0019118, HP:0000556.
Usher syndrome type 2A. Also called: RETINAL DISEASE IN USHER SYNDROME TYPE IIA, MODIFIER OF; USHER SYNDROME, TYPE IIA. Identifiers: Orphanet 231178, Orphanet 886, MedGen C1848634, MONDO:0010169, OMIM 276901.

Allele frequency attached by ClinVar (database versions not stated): ExAC 0.13526; gnomAD exomes 0.16326 and 0.13337; 1000 Genomes Project 0.10583; 1000 Genomes Project 30x 0.11181; gnomAD 0.16907 and 0.16286; TOPMed 0.16692; ESP Exome Variant Server 0.17876.
gnomAD v4.1: 262,423 of 1,611,682 alleles (16%); highest among the groups gnomAD compares: African/African-American, 20%; 23,188 homozygotes.

Submissions (12):

Labcorp Genetics (formerly Invitae), Labcorp
Classification: Benign. Last evaluated: 2026-02-04. Review status: criteria provided, single submitter. Criteria: Invitae Variant Classification Sherloc (09022015). Collection method: clinical testing. Allele origin: germline.

Blueprint Genetics
Classification: Benign. Last evaluated: 2024-11-26. Review status: criteria provided, single submitter. Criteria: ACMG Guidelines, 2015. Collection method: clinical testing. Allele origin: germline.

Dept Of Ophthalmology, Nagoya University
Classification: Benign for Retinal dystrophy. Last evaluated: 2023-10-01. Review status: criteria provided, single submitter. Criteria: Submitter's publication. Collection method: research. Allele origin: germline. Affected: yes.

Women's Health and Genetics/Laboratory Corporation of America, LabCorp
Classification: Benign. Last evaluated: 2023-04-10. Review status: criteria provided, single submitter. Criteria: LabCorp Variant Classification Summary - May 2015. Collection method: clinical testing. Allele origin: germline.

Genome-Nilou Lab
Classification: Benign for Usher syndrome type 2A. Last evaluated: 2021-07-01. Review status: criteria provided, single submitter. Criteria: ACMG Guidelines, 2015. Collection method: clinical testing. Allele origin: germline. Affected: no.

Mayo Clinic Laboratories, Mayo Clinic
Classification: Benign. Last evaluated: 2020-12-09. Review status: criteria provided, single submitter. Criteria: ACMG Guidelines, 2015. Collection method: clinical testing. Allele origin: germline. Observed: 41 variant alleles.

Eurofins Ntd Llc (ga)
Classification: Benign. Last evaluated: 2015-05-06. Review status: criteria provided, single submitter. Criteria: EGL Classification Definitions 2015. Collection method: clinical testing. Allele origin: germline. Observed: 3 variant alleles, 2 heterozygotes, 1 homozygote.

GeneDx
Classification: Benign. Last evaluated: 2013-10-30. Review status: criteria provided, single submitter. Criteria: GeneDx Variant Classification (06012015). Collection method: clinical testing. Allele origin: germline. Affected: yes.
Comment: This variant is considered likely benign or benign based on one or more of the following criteria: it is a conservative change, it occurs at a poorly conserved position in the protein, it is predicted to be benign by multiple in silico algorithms, and/or has population frequency not consistent with disease.

Laboratory for Molecular Medicine, Mass General Brigham Personalized Medicine
Classification: Benign. Last evaluated: 2008-02-19. Review status: criteria provided, single submitter. Criteria: LMM Criteria. Collection method: clinical testing. Allele origin: germline. Observed: 676 variant alleles.

Breakthrough Genomics
Classification: Benign. Review status: criteria provided, single submitter. Criteria: ACMG Guidelines, 2015. Collection method: not provided. Allele origin: germline. Inheritance: Autosomal recessive inheritance. Affected: yes.

PreventionGenetics, part of Exact Sciences
Classification: Benign. Review status: criteria provided, single submitter. Criteria: ACMG Guidelines, 2015. Collection method: clinical testing. Allele origin: germline.

Natera, Inc.
Classification: Benign for Usher syndrome type 2A. Last evaluated: 2020-09-16. Review status: no assertion criteria provided. Collection method: clinical testing. Allele origin: germline. Not counted in ClinVar's aggregate classification.

Literature cited by the submitters: PubMed 17085681 (cited by Laboratory for Molecular Medicine, Mass General Brigham Personalized Medicine).

NM_206933.4(USH2A):c.5013C>A (p.Gly1671=)

Genes: USH2A (usherin; minus strand), USH2A-AS2 (USH2A antisense RNA 2; plus strand). Cytogenetic location: 1q41.
Variant type: single nucleotide variant.
Coding change: c.5013C>A on transcript NM_206933.4 (MANE Select); coding-DNA position 5013, C replaced by A.
Protein change: p.Gly1671=; no amino-acid change (glycine 1671 retained).
Molecular consequence: synonymous variant.
Genome position (GRCh38, 1-based): chr1:216,084,852, G>T on the plus strand (C>A on the coding strand, the complement: USH2A is on the minus strand). VCF-style: chr1-216084852-G-T. GRCh37 (hg19) VCF-style: chr1-216258194-G-T.
Other names: p.G1671G:GGC>GGA; p.Gly1671=.
Identifiers: ClinVar variation 48527 (VCV000048527.27), dbSNP rs56110889, ClinGen allele CA143507.